The following is an entry in ClinVar:

NM_002692.4(POLE2):c.811A>T (p.Thr271Ser)

Gene: POLE2 (DNA polymerase epsilon 2, accessory subunit; minus strand). Cytogenetic location: 14q21.3.
Variant type: single nucleotide variant.
Coding change: c.811A>T on transcript NM_002692.4 (MANE Select); coding-DNA position 811, A replaced by T.
Protein change: p.Thr271Ser; replaces threonine 271 with serine.
Molecular consequence: missense variant.
Genome position (GRCh38, 1-based): chr14:49,655,788, T>A on the plus strand (A>T on the coding strand, the complement: POLE2 is on the minus strand). VCF-style: chr14-49655788-T-A. GRCh37 (hg19) VCF-style: chr14-50122506-T-A.
Other names: c.733A>T, p.Thr245Ser (NM_001197330.2); c.811A>T, p.Thr271Ser (NM_001197331.3, NM_001348384.2); c.580A>T, p.Thr194Ser (NM_001348385.2); short protein forms T271S, T194S, T245S.
Identifiers: ClinVar variation 2771956 (VCV002771956.3), dbSNP rs2502833920, ClinGen allele CA389604444.

ClinVar aggregate classification (germline): Uncertain significance (1 of 4 stars; one submission).

gnomAD v4.1: 1 of 1,600,724 alleles (0.000062%); highest among the groups gnomAD compares: Non-Finnish European, 0.000086%; no homozygotes.

Submission:

Labcorp Genetics (formerly Invitae), Labcorp
Classification: Uncertain significance. Last evaluated: 2023-10-26. Review status: criteria provided, single submitter. Criteria: Invitae Variant Classification Sherloc (09022015). Collection method: clinical testing. Allele origin: germline.
Comment: This sequence change replaces threonine, which is neutral and polar, with serine, which is neutral and polar, at codon 271 of the POLE2 protein (p.Thr271Ser). This variant is not present in population databases (gnomAD no frequency). This variant has not been reported in the literature in individuals affected with POLE2-related conditions. Algorithms developed to predict the effect of missense changes on protein structure and function output the following: SIFT: "Not Available"; PolyPhen-2: "Benign"; Align-GVGD: "Not Available". The serine amino acid residue is found in multiple mammalian species, which suggests that this missense change does not adversely affect protein function. In summary, the available evidence is currently insufficient to determine the role of this variant in disease. Therefore, it has been classified as a Variant of Uncertain Significance.